The following is an entry in ClinVar:

NM_000245.4(MET):c.2763A>G (p.Gly921=)

Gene: MET (MET proto-oncogene, receptor tyrosine kinase; plus strand). Cytogenetic location: 7q31.2.
Variant type: single nucleotide variant.
Coding change: c.2763A>G on transcript NM_000245.4 (MANE Select); coding-DNA position 2763, A replaced by G.
Protein change: p.Gly921=; no amino-acid change (glycine 921 retained).
Molecular consequence: synonymous variant.
Genome position (GRCh38, 1-based): chr7:116,771,530, A>G. VCF-style: chr7-116771530-A-G. GRCh37 (hg19) VCF-style: chr7-116411584-A-G.
Other names: c.2817A>G, p.Gly939= (NM_001127500.3); c.1473A>G, p.Gly491= (NM_001324402.2).
Identifiers: ClinVar variation 3773112 (VCV003773112.1).

ClinVar aggregate classification (germline): Benign (1 of 4 stars; one submission).

Conditions:
Papillary renal cell carcinoma type 1 (RCCP1). Also called: Renal adenocarcinoma; Renal cell carcinoma 1; Renal cell carcinoma, somatic; RENAL CELL CARCINOMA, PAPILLARY, 1, SOMATIC. Identifiers: Orphanet 47044, MedGen C1336839, OMIM 605074, HP:0011797.

Submission:

Myriad Genetics, Inc.
Classification: Benign for Papillary renal cell carcinoma type 1. Last evaluated: 2024-11-12. Review status: criteria provided, single submitter. Criteria: Myriad Autosomal Dominant, Autosomal Recessive and X-Linked Classification Criteria (2023). Collection method: clinical testing. Allele origin: unknown.
Comment: This variant is considered benign. This variant is a silent/synonymous amino acid change and it is not expected to impact splicing.